The following is an entry in ClinVar:

NM_003200.5(TCF3):c.549G>A (p.Ser183=)

Gene: TCF3 (transcription factor 3; minus strand). Cytogenetic location: 19p13.3.
Variant type: single nucleotide variant.
Coding change: c.549G>A on transcript NM_003200.5 (MANE Select); coding-DNA position 549, G replaced by A.
Protein change: p.Ser183=; no amino-acid change (serine 183 retained).
Molecular consequence: synonymous variant.
Genome position (GRCh38, 1-based): chr19:1,623,951, C>T on the plus strand (G>A on the coding strand, the complement: TCF3 is on the minus strand). VCF-style: chr19-1623951-C-T. GRCh37 (hg19) VCF-style: chr19-1623950-C-T.
Other names: NC_000019.9:g.1623950C>T; c.549G>A, p.Ser183= (NM_001136139.4, NM_001351778.2, NM_001351779.2).
Identifiers: ClinVar variation 4435482 (VCV004435482.2).

ClinVar aggregate classification (germline): Uncertain significance (1 of 4 stars; one submission).

gnomAD v4.1: 6 of 1,613,458 alleles (0.00037%); highest among the groups gnomAD compares: South Asian, 0.0022%; no homozygotes.

Submissions (2):

Labcorp Genetics (formerly Invitae), Labcorp
Classification: Uncertain significance. Last evaluated: 2025-03-25. Review status: criteria provided, single submitter. Criteria: Invitae Variant Classification Sherloc (09022015). Collection method: clinical testing. Allele origin: germline.
Comment: This sequence change affects codon 183 of the TCF3 mRNA. It is a 'silent' change, meaning that it does not change the encoded amino acid sequence of the TCF3 protein. This variant also falls at the last nucleotide of exon 8, which is part of the consensus splice site for this exon. This variant is present in population databases (no rsID available, gnomAD 0.003%). This variant has not been reported in the literature in individuals affected with TCF3-related conditions. Variants that disrupt the consensus splice site are a relatively common cause of aberrant splicing (PMID: 17576681, 9536098). Algorithms developed to predict the effect of sequence changes on RNA splicing suggest that this variant may disrupt the consensus splice site. In summary, the available evidence is currently insufficient to determine the role of this variant in disease. Therefore, it has been classified as a Variant of Uncertain Significance.

Dr. Peter K. Rogan Lab, Western University
No classification provided (evidence only). Condition: Melanoma. Review status: no classification provided. Collection method: in vitro. Allele origin: not applicable. Functional consequence: retained intron. Not counted in ClinVar's aggregate classification.

Literature cited by the submitters: PubMed 17576681 (cited by Labcorp Genetics (formerly Invitae), Labcorp); PubMed 9536098 (cited by Labcorp Genetics (formerly Invitae), Labcorp).